The following is an entry in ClinVar:

NM_004055.5(CAPN5):c.349T>G (p.Tyr117Asp)

Gene: CAPN5 (calpain 5; plus strand). Cytogenetic location: 11q13.5.
Variant type: single nucleotide variant.
Coding change: c.349T>G on transcript NM_004055.5 (MANE Select); coding-DNA position 349, T replaced by G.
Protein change: p.Tyr117Asp; replaces tyrosine 117 with aspartic acid.
Molecular consequence: missense variant.
Genome position (GRCh38, 1-based): chr11:77,112,640, T>G. VCF-style: chr11-77112640-T-G. GRCh37 (hg19) VCF-style: chr11-76823686-T-G.
Other names: short protein forms Y117D.
Identifiers: ClinVar variation 2313312 (VCV002313312.5), dbSNP rs374103819, ClinGen allele CA224825272.

ClinVar aggregate classification (germline): Uncertain significance. Review status: criteria provided, multiple submitters, no conflicts (2 of 4 stars). 2 submissions from 2 submitters: Uncertain significance (2). Last evaluated 2025-02-17.

Conditions:
Inborn genetic diseases. Identifiers: MedGen C0950123, MeSH D030342.

Allele frequency attached by ClinVar (database versions not stated): gnomAD 0.00001; gnomAD exomes 0.00001; 1000 Genomes Project 0.00020; 1000 Genomes Project 30x 0.00031.
gnomAD v4.1: 7 of 1,613,654 alleles (0.00043%); highest among the groups gnomAD compares: East Asian, 0.0045%; no homozygotes.

Submissions (2):

Labcorp Genetics (formerly Invitae), Labcorp
Classification: Uncertain significance. Last evaluated: 2025-02-17. Review status: criteria provided, single submitter. Criteria: Invitae Variant Classification Sherloc (09022015). Collection method: clinical testing. Allele origin: germline.
Comment: This sequence change replaces tyrosine, which is neutral and polar, with aspartic acid, which is acidic and polar, at codon 117 of the CAPN5 protein (p.Tyr117Asp). This variant is present in population databases (rs374103819, gnomAD 0.006%). This variant has not been reported in the literature in individuals affected with CAPN5-related conditions. ClinVar contains an entry for this variant (Variation ID: 2313312). Invitae Evidence Modeling of protein sequence and biophysical properties (such as structural, functional, and spatial information, amino acid conservation, physicochemical variation, residue mobility, and thermodynamic stability) has been performed for this missense variant. However, the output from this modeling did not meet the statistical confidence thresholds required to predict the impact of this variant on CAPN5 protein function. In summary, the available evidence is currently insufficient to determine the role of this variant in disease. Therefore, it has been classified as a Variant of Uncertain Significance.

Ambry Genetics
Classification: Uncertain significance for Inborn genetic diseases. Last evaluated: 2022-09-26. Review status: criteria provided, single submitter. Criteria: Ambry Variant Classification Scheme 2023. Collection method: clinical testing. Allele origin: germline.